The following is an entry in ClinVar:

NM_001018005.2(TPM1):c.8C>T (p.Ala3Val)

Gene: TPM1 (tropomyosin 1; plus strand). Cytogenetic location: 15q22.2.
Variant type: single nucleotide variant.
Coding change: c.8C>T on transcript NM_001018005.2 (MANE Select); coding-DNA position 8, C replaced by T.
Protein change: p.Ala3Val; replaces alanine 3 with valine.
Molecular consequence: missense variant.
Genome position (GRCh38, 1-based): chr15:63,042,837, C>T. VCF-style: chr15-63042837-C-T. GRCh37 (hg19) VCF-style: chr15-63335036-C-T.
Other names: c.8C>T, p.Ala3Val (NM_000366.6, NM_001018004.2, NM_001018006.2 and 24 more transcripts); c.8C>T (NM_001018020.1); short protein forms A3V.
Identifiers: ClinVar variation 2107684 (VCV002107684.5), dbSNP rs2542411688, ClinGen allele CA392717929.

ClinVar aggregate classification (germline): Uncertain significance. Review status: criteria provided, multiple submitters, no conflicts (2 of 4 stars). 2 submissions from 2 submitters: Uncertain significance (2). Last evaluated 2024-10-14.

Conditions:
TPM1-related disorder. Also called: TPM1-related condition.
Hypertrophic cardiomyopathy. Also called: HYPERTROPHIC MYOCARDIOPATHY. Identifiers: Orphanet 217569, MedGen C0007194, MeSH D002312, MONDO:0005045, HP:0001639.

Submissions (2):

PreventionGenetics, part of Exact Sciences
Classification: Uncertain significance for TPM1-related condition. Last evaluated: 2024-10-14. Review status: criteria provided, single submitter. Criteria: ACMG Guidelines, 2015. Collection method: clinical testing. Allele origin: germline.
Comment: The TPM1 c.8C>T variant is predicted to result in the amino acid substitution p.Ala3Val. To our knowledge, this variant has not been reported in the literature or in a large population database (gnomAD), indicating this variant is rare. At this time, the clinical significance of this variant is uncertain due to the absence of conclusive functional and genetic evidence.

Labcorp Genetics (formerly Invitae), Labcorp
Classification: Uncertain significance for Hypertrophic cardiomyopathy. Last evaluated: 2022-03-08. Review status: criteria provided, single submitter. Criteria: Invitae Variant Classification Sherloc (09022015). Collection method: clinical testing. Allele origin: germline.
Comment: This sequence change replaces alanine, which is neutral and non-polar, with valine, which is neutral and non-polar, at codon 3 of the TPM1 protein (p.Ala3Val). In summary, the available evidence is currently insufficient to determine the role of this variant in disease. Therefore, it has been classified as a Variant of Uncertain Significance. Algorithms developed to predict the effect of missense changes on protein structure and function are either unavailable or do not agree on the potential impact of this missense change (SIFT: "Deleterious"; PolyPhen-2: "Benign"; Align-GVGD: "Class C0"). This variant has not been reported in the literature in individuals affected with TPM1-related conditions. This variant is not present in population databases (gnomAD no frequency).